The following is an entry in ClinVar:

NM_001014447.3(CPZ):c.497-5C>G

Gene: CPZ (carboxypeptidase Z; plus strand). Cytogenetic location: 4p16.1.
Variant type: single nucleotide variant.
Coding change: c.497-5C>G on transcript NM_001014447.3 (MANE Select); 5 bases into the intron before coding-DNA position 497, C replaced by G.
Molecular consequence: intron variant.
Genome position (GRCh38, 1-based): chr4:8,603,971, C>G. VCF-style: chr4-8603971-C-G. GRCh37 (hg19) VCF-style: chr4-8605698-C-G.
Other names: NC_000004.11:g.8605698C>G; c.86-5C>G (NM_001014448.3); c.464-5C>G (NM_003652.4).
Identifiers: ClinVar variation 3052227 (VCV003052227.3), dbSNP rs566237454, ClinGen allele CA2853204.
Genomic context (GRCh38, chr4:8,603,971, plus strand): 5'-TTCCCAGGCAGTGGTAGGAAGCCTGGGGGCCTGACACTGACTGAGCCCCCCCACTGCTCC[C>G]CCAGGAGGCCTGGAGGCTGACGAGGCACTGCCCTCAGGGCTGCCGCCCACCTTCATCCGC-3'

ClinVar aggregate classification (germline): Likely benign (0 of 4 stars; one submission).

Conditions:
CPZ-related disorder. Also called: CPZ-related condition.

Allele frequency attached by ClinVar (database versions not stated): ExAC 0.00010; 1000 Genomes Project 30x 0.00016; 1000 Genomes Project 0.00020.
gnomAD v4.1: 41 of 1,611,742 alleles (0.0025%); highest among the groups gnomAD compares: East Asian, 0.082%; no homozygotes.

Submissions (2):

PreventionGenetics, part of Exact Sciences
Classification: Likely benign for CPZ-related condition. Last evaluated: 2020-02-17. Review status: no assertion criteria provided. Collection method: clinical testing. Allele origin: germline.
Comment: This variant is classified as likely benign based on ACMG/AMP sequence variant interpretation guidelines (Richards et al. 2015 PMID: 25741868, with internal and published modifications).

Dr. Peter K. Rogan Lab, Western University
No classification provided (evidence only). Condition: Gastric cancer. Review status: no classification provided. Collection method: in vitro. Allele origin: not applicable. Functional consequence: retained intron. Not counted in ClinVar's aggregate classification.